The following is an entry in ClinVar:

NM_001378454.1(ALMS1):c.5280del (p.His1761fs)

Gene: ALMS1 (ALMS1 centrosome and basal body associated protein; plus strand). Cytogenetic location: 2p13.1.
Variant type: Deletion.
Coding change: c.5280del on transcript NM_001378454.1 (MANE Select); coding-DNA position 5280, one base deleted (A; older notation c.5280delA).
Protein change: p.His1761fs; shifts the reading frame from histidine 1761.
Molecular consequence: frameshift variant.
Genome position (GRCh38, 1-based): chr2:73,451,807, A deleted. VCF-style (leftmost placement, unchanged base first): chr2-73451806-CA-C. GRCh37 (hg19) VCF-style: chr2-73678933-CA-C.
Other names: c.5283del, p.His1762fs (NM_015120.4); c.5283delA (NM_015120.4); short protein forms H1761fs, H1762fs.
Identifiers: ClinVar variation 1299322 (VCV001299322.11), dbSNP rs2103785835, ClinGen allele CA2499216256.
Genomic context (GRCh38, chr2:73,451,806, plus strand): 5'-CTGTTCCTCAACCAGCTGACCAGAAGACTGGGTTATCTACTGTAACTTCCTCTTTCTATT[CA>C]CATACAGAGAAGCCTAATATTTCTTACCAGCAAGAGTTGCCAGATAGTCATCTAACTGAA-3'

ClinVar aggregate classification (germline): Pathogenic. Review status: criteria provided, multiple submitters, no conflicts (2 of 4 stars). 6 submissions from 6 submitters: Pathogenic (6). Last evaluated 2024-11-20.

Conditions:
Cardiovascular phenotype. Identifiers: MedGen CN230736.
ALMS1-related disorder. Also called: ALMS1-related condition.
Alstrom syndrome (ALMS). Identifiers: Orphanet 64, MedGen C0268425, MONDO:0008763, OMIM 203800.

Allele frequency attached by ClinVar (database versions not stated): gnomAD exomes below 0.00001.

Submissions (6):

Molecular Genetics Laboratory, Motol Hospital
Classification: Pathogenic for Alstrom syndrome. Last evaluated: 2024-11-20. Review status: criteria provided, single submitter. Criteria: ACMG Guidelines, 2015. Collection method: clinical testing. Allele origin: maternal. Affected: yes. Observed: 1 variant allele.
Comment: The pathogenic/likely pathogenic variants affecting the ALMS1 gene are well documented as a molecular cause of autosomal recessive "Alstrom syndrome" (OMIM:203800) (PMID:36927560;11941369;11941370;17594715). To conclude, the variant is classified as pathogenic (ACMG PVS1, PM2, PM3).

Labcorp Genetics (formerly Invitae), Labcorp
Classification: Pathogenic for Alstrom syndrome. Last evaluated: 2024-09-04. Review status: criteria provided, single submitter. Criteria: Invitae Variant Classification Sherloc (09022015). Collection method: clinical testing. Allele origin: germline.
Comment: This sequence change creates a premature translational stop signal (p.His1762Ilefs*18) in the ALMS1 gene. It is expected to result in an absent or disrupted protein product. Loss-of-function variants in ALMS1 are known to be pathogenic (PMID: 17594715). This variant is not present in population databases (gnomAD no frequency). This premature translational stop signal has been observed in individual(s) with Alstrom syndrome (PMID: 21128906, 29193673). This variant is also known as p.H1762fsX1779. ClinVar contains an entry for this variant (Variation ID: 1299322). For these reasons, this variant has been classified as Pathogenic.

Natera, Inc.
Classification: Pathogenic for Alstrom syndrome. Last evaluated: 2024-08-19. Review status: criteria provided, single submitter. Criteria: Natera Variant Classification Schema (03/2026). Collection method: clinical testing. Allele origin: germline.
Comment: The c.5283delA variant in ALMS1 is a frameshift variant predicted to shift the reading frame beginning at codon 1762 and leads to a stop codon 18 codons downstream. This variant is expected to result in nonsense mediated decay, truncation, or a dysfunctional protein product. This variant is rare in the general population with a frequency below the threshold expected for the associated phenotype(s). This variant has been observed in one or more individuals affected with the associated recessive disease, as either homozygous or compound heterozygous with a second variant (PMID: 21128906, 28112973, 29718281). Given the available evidence, this variant is classified as Pathogenic.

Blueprint Genetics
Classification: Pathogenic for ALMS1-related disorders. Last evaluated: 2023-09-27. Review status: criteria provided, single submitter. Criteria: ACMG Guidelines, 2015. Collection method: clinical testing. Allele origin: germline. Affected: yes. Observed: 2 variant alleles.

Ambry Genetics
Classification: Pathogenic for Cardiovascular phenotype. Last evaluated: 2023-03-31. Review status: criteria provided, single submitter. Criteria: Ambry Variant Classification Scheme 2023. Collection method: clinical testing. Allele origin: germline.
Comment: The c.5283delA pathogenic mutation, located in coding exon 8 of the ALMS1 gene, results from a deletion of one nucleotide at nucleotide position 5283, causing a translational frameshift with a predicted alternate stop codon (p.H1762Ifs*18). This alteration has been reported as a compound heterozygote in subjects with features of Alstrom syndrome (Kocova M et al. Br J Dermatol, 2011 Apr;164:878-80; Lindsey S et al. Am J Med Genet A, 2017 Aug;173:2210-2218; Dotan G et al. Ophthalmic Genet, 2017 Jan;38:440-445). In addition, this variant is considered to be rare based on population cohorts in the Genome Aggregation Database (gnomAD). In addition to the clinical data presented in the literature, this alteration is expected to result in loss of function by premature protein truncation or nonsense-mediated mRNA decay. As such, this alteration is interpreted as a disease-causing mutation.

Institute of Human Genetics, University of Leipzig Medical Center
Classification: Pathogenic for Alstrom syndrome. Last evaluated: 2021-09-02. Review status: criteria provided, single submitter. Criteria: ACMG Guidelines, 2015. Collection method: clinical testing. Allele origin: unknown. Affected: yes.
Comment: This variant was identified as compound heterozygous with NM_015120.4:c.1903C>T.

Literature cited by the submitters: PubMed 36927560 (cited by Molecular Genetics Laboratory, Motol Hospital); PubMed 11941369 (cited by Molecular Genetics Laboratory, Motol Hospital); PubMed 11941370 (cited by Molecular Genetics Laboratory, Motol Hospital); PubMed 17594715 (cited by Molecular Genetics Laboratory, Motol Hospital and Labcorp Genetics (formerly Invitae), Labcorp); PubMed 21128906 (cited by 3 submitters); PubMed 29193673 (cited by Labcorp Genetics (formerly Invitae), Labcorp and Ambry Genetics); PubMed 28112973 (cited by Natera, Inc. and Ambry Genetics); PubMed 29718281 (cited by Natera, Inc.); PubMed 21157496 (cited by Ambry Genetics); PubMed 28573831 (cited by Ambry Genetics).